The following is an entry in ClinVar:

NM_020975.6(RET):c.1977C>T (p.Cys659=)

Gene: RET (ret proto-oncogene; plus strand). Cytogenetic location: 10q11.21.
Variant type: single nucleotide variant.
Coding change: c.1977C>T on transcript NM_020975.6 (MANE Select); coding-DNA position 1977, C replaced by T.
Protein change: p.Cys659=; no amino-acid change (cysteine 659 retained).
Molecular consequence: synonymous variant. On other transcripts: intron variant (4).
Genome position (GRCh38, 1-based): chr10:43,114,577, C>T. VCF-style: chr10-43114577-C-T. GRCh37 (hg19) VCF-style: chr10-43610025-C-T.
Other names: c.1215C>T, p.Cys405= (NM_001355216.2); c.1977C>T, p.Cys659= (NM_001406743.1, NM_001406744.1, NM_001406759.1 and 2 more transcripts); c.1848C>T, p.Cys616= (NM_001406761.1, NM_001406762.1, NM_001406764.1); c.1689C>T, p.Cys563= (NM_001406766.1, NM_001406767.1, NM_001406770.1); c.1581C>T, p.Cys527= (NM_001406769.1, NM_001406772.1); c.1539C>T, p.Cys513= (NM_001406771.1, NM_001406773.1); c.1452C>T, p.Cys484= (NM_001406774.1); c.1251C>T, p.Cys417= (NM_001406775.1, NM_001406776.1, NM_001406777.1 and 1 more transcripts); and 10 more.
Identifiers: ClinVar variation 3904558 (VCV003904558.1).

ClinVar aggregate classification (germline): Benign (1 of 4 stars; one submission).

Conditions:
Multiple endocrine neoplasia type 2A. Also called: Multiple Endocrine Neoplasia Type 2A (MEN2A); MULTIPLE ENDOCRINE NEOPLASIA, TYPE IIA; PTC SYNDROME; SIPPLE SYNDROME; MEN 2A; MEN-2A syndrome. Identifiers: Orphanet 247698, Orphanet 653, MedGen C0025268, MeSH D018813, MONDO:0008234, OMIM 171400.

Submission:

Myriad Genetics, Inc.
Classification: Benign for Multiple endocrine neoplasia type 2A. Last evaluated: 2025-02-26. Review status: criteria provided, single submitter. Criteria: Myriad Autosomal Dominant, Autosomal Recessive and X-Linked Classification Criteria (2023). Collection method: clinical testing. Allele origin: unknown.
Comment: This variant is considered benign. This variant is a silent/synonymous amino acid change and it is not expected to impact splicing.